The following is an entry in ClinVar:

NM_003072.5(SMARCA4):c.4789A>G (p.Ile1597Val)

Gene: SMARCA4 (SWI/SNF related BAF chromatin remodeling complex subunit ATPase 4; plus strand). Cytogenetic location: 19p13.2.
Variant type: single nucleotide variant.
Coding change: c.4789A>G on transcript NM_003072.5 (MANE Select); coding-DNA position 4789, A replaced by G.
Protein change: p.Ile1597Val; replaces isoleucine 1597 with valine.
Molecular consequence: missense variant. On other transcripts: non-coding transcript variant (1).
Genome position (GRCh38, 1-based): chr19:11,060,065, A>G. VCF-style: chr19-11060065-A-G. GRCh37 (hg19) VCF-style: chr19-11170741-A-G.
Other names: c.4789A>G, p.Ile1597Val (NM_001128844.3); c.4699A>G, p.Ile1567Val (NM_001128845.2); c.4696A>G, p.Ile1566Val (NM_001128846.2); c.4690A>G, p.Ile1564Val (NM_001128847.4, NM_001374457.1); c.4687A>G, p.Ile1563Val (NM_001128848.2); c.4885A>G, p.Ile1629Val (NM_001128849.3); short protein forms I1567V, I1597V, I1564V, I1629V, I1563V, I1566V.
Identifiers: ClinVar variation 960488 (VCV000960488.9), dbSNP rs2076773708, ClinGen allele CA404080339.
Genomic context (GRCh38, chr19:11,060,065, plus strand): 5'-CCAGAGCTCAAGGCTGTCTTTCCCTCCCGGTCCCCTCCAGCTCGGTCCGTCAAAGTGAAG[A>G]TCAAGCTTGGCCGGAAGGAGAAGGCACAGGACCGGCTGAAGGGCGGCCGGCGGCGGCCGA-3'
Protein context (NP_003063.2, residues 1587-1607): ESESRSVKVK[Ile1597Val]KLGRKEKAQD

ClinVar aggregate classification (germline): Uncertain significance (1 of 4 stars; one submission).

Conditions:
Rhabdoid tumor predisposition syndrome 2 (RTPS2). Identifiers: Orphanet 231108, Orphanet 69077, MedGen C2750074, MONDO:0013224, OMIM 613325.

Submission:

Labcorp Genetics (formerly Invitae), Labcorp
Classification: Uncertain significance for Rhabdoid tumor predisposition syndrome 2. Last evaluated: 2019-10-11. Review status: criteria provided, single submitter. Criteria: Invitae Variant Classification Sherloc (09022015). Collection method: clinical testing. Allele origin: germline.
Comment: Algorithms developed to predict the effect of missense changes on protein structure and function (SIFT, PolyPhen-2, Align-GVGD) all suggest that this variant is likely to be disruptive, but these predictions have not been confirmed by published functional studies and their clinical significance is uncertain. In summary, the available evidence is currently insufficient to determine the role of this variant in disease. Therefore, it has been classified as a Variant of Uncertain Significance. Algorithms developed to predict the effect of sequence changes on RNA splicing suggest that this variant may create or strengthen a splice site, but this prediction has not been confirmed by published transcriptional studies. This variant has not been reported in the literature in individuals with SMARCA4-related conditions. This variant is not present in population databases (ExAC no frequency). This sequence change replaces isoleucine with valine at codon 1629 of the SMARCA4 protein (p.Ile1629Val). The isoleucine residue is highly conserved and there is a small physicochemical difference between isoleucine and valine.